The following is an entry in ClinVar:

ClinVar aggregate classification (germline): Uncertain significance. Review status: criteria provided, multiple submitters, no conflicts (2 of 4 stars). 3 submissions from 3 submitters: Uncertain significance (2). 1 of the submissions does not count toward it. Last evaluated 2023-11-29.

Conditions:
Inborn genetic diseases. Identifiers: MedGen C0950123, MeSH D030342.
Glycine encephalopathy. Also called: Nonketotic hyperglycinemia; Non-ketotic hyperglycinemia. Identifiers: Orphanet 407, MedGen C0751748, MONDO:0011612, HP:0008288.

Allele frequency attached by ClinVar (database versions not stated): gnomAD 0.00003 and 0.00004; 1000 Genomes Project 30x 0.00016; TOPMed 0.00016; 1000 Genomes Project 0.00020; gnomAD exomes 0.00001.
gnomAD v4.1: 14 of 1,614,064 alleles (0.00087%); highest among the groups gnomAD compares: Admixed American, 0.015%; no homozygotes.

Submissions (3):

Ambry Genetics
Classification: Uncertain significance for Inborn genetic diseases. Last evaluated: 2023-11-29. Review status: criteria provided, single submitter. Criteria: Ambry Variant Classification Scheme 2023. Collection method: clinical testing. Allele origin: germline.

Labcorp Genetics (formerly Invitae), Labcorp
Classification: Uncertain significance for Glycine encephalopathy. Last evaluated: 2022-10-25. Review status: criteria provided, single submitter. Criteria: Invitae Variant Classification Sherloc (09022015). Collection method: clinical testing. Allele origin: germline.
Comment: This sequence change replaces proline, which is neutral and non-polar, with leucine, which is neutral and non-polar, at codon 366 of the AMT protein (p.Pro366Leu). This variant is present in population databases (rs201400089, gnomAD 0.003%). This variant has not been reported in the literature in individuals affected with AMT-related conditions. ClinVar contains an entry for this variant (Variation ID: 857242). Advanced modeling of protein sequence and biophysical properties (such as structural, functional, and spatial information, amino acid conservation, physicochemical variation, residue mobility, and thermodynamic stability) has been performed at Invitae for this missense variant, however the output from this modeling did not meet the statistical confidence thresholds required to predict the impact of this variant on AMT protein function. In summary, the available evidence is currently insufficient to determine the role of this variant in disease. Therefore, it has been classified as a Variant of Uncertain Significance.

Natera, Inc.
Classification: Uncertain significance for Non-ketotic hyperglycinemia. Last evaluated: 2020-07-23. Review status: no assertion criteria provided. Collection method: clinical testing. Allele origin: germline. Not counted in ClinVar's aggregate classification.

NM_000481.4(AMT):c.1097C>T (p.Pro366Leu)

Gene: AMT (aminomethyltransferase; minus strand). Cytogenetic location: 3p21.31.
Variant type: single nucleotide variant.
Coding change: c.1097C>T on transcript NM_000481.4 (MANE Select); coding-DNA position 1097, C replaced by T.
Protein change: p.Pro366Leu; replaces proline 366 with leucine.
Molecular consequence: missense variant. On other transcripts: non-coding transcript variant (1).
Genome position (GRCh38, 1-based): chr3:49,417,655, G>A on the plus strand (C>T on the coding strand, the complement: AMT is on the minus strand). VCF-style: chr3-49417655-G-A. GRCh37 (hg19) VCF-style: chr3-49455088-G-A.
Other names: c.965C>T, p.Pro322Leu (NM_001164710.2); c.929C>T, p.Pro310Leu (NM_001164711.2); c.1097C>T, p.Pro366Leu (NM_001164712.2); short protein forms P310L, P322L, P366L.
Identifiers: ClinVar variation 857242 (VCV000857242.7), dbSNP rs201400089, ClinGen allele CA74511801.